The following is an entry in ClinVar:

ClinVar aggregate classification (germline): Benign/Likely benign. Review status: criteria provided, multiple submitters, no conflicts (2 of 4 stars). 8 submissions from 8 submitters: Benign (3); Likely benign (5). Last evaluated 2026-02-02.

Conditions:
Cardiovascular phenotype. Identifiers: MedGen CN230736.
Brittle cornea syndrome 1 (BCS1). Also called: CORNEAL FRAGILITY, KERATOGLOBUS, BLUE SCLERAE, JOINT HYPEREXTENSIBILITY; EDS6B; FRAGILITAS OCULI WITH JOINT HYPEREXTENSIBILITY; DYSGENESIS MESODERMALIS CORNEAE ET SCLERAE; Corneal fragility keratoglobus, blue sclerae AND joint hypermobility. Identifiers: Orphanet 90354, MedGen C0268344, MONDO:0024543, OMIM 229200.
Ehlers-Danlos syndrome (EDS). Identifiers: Orphanet 98249, MedGen C0013720, MONDO:0020066.

Allele frequency attached by ClinVar (database versions not stated): gnomAD exomes 0.00077 and 0.00178; ExAC 0.00258; gnomAD 0.00817 and 0.00882; 1000 Genomes Project 0.00919; TOPMed 0.00987; 1000 Genomes Project 30x 0.01015.
gnomAD v4.1: 2,420 of 1,548,804 alleles (0.16%); highest among the groups gnomAD compares: African/African-American, 2.8%; 36 homozygotes.

Submissions (8):

Labcorp Genetics (formerly Invitae), Labcorp
Classification: Likely benign. Last evaluated: 2026-02-02. Review status: criteria provided, single submitter. Criteria: Invitae Variant Classification Sherloc (09022015). Collection method: clinical testing. Allele origin: germline.

Women's Health and Genetics/Laboratory Corporation of America, LabCorp
Classification: Likely benign. Last evaluated: 2026-01-22. Review status: criteria provided, single submitter. Criteria: LabCorp Variant Classification Summary - May 2015. Collection method: clinical testing. Allele origin: germline.

Mayo Clinic Laboratories, Mayo Clinic
Classification: Benign. Last evaluated: 2023-03-14. Review status: criteria provided, single submitter. Criteria: ACMG Guidelines, 2015. Collection method: clinical testing. Allele origin: germline. Observed: 8 variant alleles.
Comment: BS1, BS2, BP4, BP7

Genome-Nilou Lab
Classification: Benign for Brittle cornea syndrome 1. Last evaluated: 2021-12-05. Review status: criteria provided, single submitter. Criteria: ACMG Guidelines, 2015. Collection method: clinical testing. Allele origin: germline. Affected: no.

Ambry Genetics
Classification: Likely benign for Cardiovascular phenotype. Last evaluated: 2019-03-01. Review status: criteria provided, single submitter. Criteria: Ambry Variant Classification Scheme 2023. Collection method: clinical testing. Allele origin: germline.

Genome Diagnostics Laboratory, The Hospital for Sick Children
Classification: Likely benign for Ehlers-Danlos syndrome. Last evaluated: 2018-11-01. Review status: criteria provided, single submitter. Criteria: ACMG Guidelines, 2015. Collection method: clinical testing. Allele origin: germline.

GeneDx
Classification: Benign. Last evaluated: 2018-06-13. Review status: criteria provided, single submitter. Criteria: GeneDx Variant Classification Process June 2021. Collection method: clinical testing. Allele origin: germline. Affected: yes.

Breakthrough Genomics
Classification: Likely benign. Review status: criteria provided, single submitter. Criteria: ACMG Guidelines, 2015. Collection method: not provided. Allele origin: germline. Inheritance: Autosomal recessive inheritance. Affected: yes.

NM_001367624.2(ZNF469):c.2370G>A (p.Leu790=)

Gene: ZNF469 (zinc finger protein 469; plus strand). Cytogenetic location: 16q24.2.
Variant type: single nucleotide variant.
Coding change: c.2370G>A on transcript NM_001367624.2 (MANE Select); coding-DNA position 2370, G replaced by A.
Protein change: p.Leu790=; no amino-acid change (leucine 790 retained).
Molecular consequence: synonymous variant.
Genome position (GRCh38, 1-based): chr16:88,429,840, G>A. VCF-style: chr16-88429840-G-A. GRCh37 (hg19) VCF-style: chr16-88496248-G-A.
Other names: NM_001127464.1:c.2370G>A; NM_001127464.2:c.2370G>A; p.Leu790=.
Identifiers: ClinVar variation 320885 (VCV000320885.24), dbSNP rs147859144, ClinGen allele CA8224762.